The following is an entry in ClinVar:

ClinVar aggregate classification (germline): Uncertain significance (1 of 4 stars; one submission).

Conditions:
Alpha thalassemia-X-linked intellectual disability syndrome (ATRX). Also called: ATR-X syndrome; Alpha thalassemia mental retardation syndrome, nondeletion type, X-linked; XLMR hypotonic face syndrome; X-linked alpha-thalassemia-mental retardation syndrome; ALPHA-THALASSEMIA/IMPAIRED INTELLECTUAL DEVELOPMENT SYNDROME, X-LINKED; ALPHA-THALASSEMIA/MENTAL RETARDATION SYNDROME, X-LINKED. Identifiers: Orphanet 847, MedGen C1845055, MONDO:0010519, OMIM 301040.

Allele frequency attached by ClinVar (database versions not stated): TOPMed 0.00001.

Submission:

Labcorp Genetics (formerly Invitae), Labcorp
Classification: Uncertain significance for Alpha thalassemia-X-linked intellectual disability syndrome. Last evaluated: 2022-09-07. Review status: criteria provided, single submitter. Criteria: Invitae Variant Classification Sherloc (09022015). Collection method: clinical testing. Allele origin: germline.
Comment: In summary, the available evidence is currently insufficient to determine the role of this variant in disease. Therefore, it has been classified as a Variant of Uncertain Significance. Advanced modeling of protein sequence and biophysical properties (such as structural, functional, and spatial information, amino acid conservation, physicochemical variation, residue mobility, and thermodynamic stability) performed at Invitae indicates that this missense variant is not expected to disrupt ATRX protein function. ClinVar contains an entry for this variant (Variation ID: 1378489). This variant has not been reported in the literature in individuals affected with ATRX-related conditions. This variant is not present in population databases (gnomAD no frequency). This sequence change replaces valine, which is neutral and non-polar, with leucine, which is neutral and non-polar, at codon 725 of the ATRX protein (p.Val725Leu).

NM_000489.6(ATRX):c.2173G>C (p.Val725Leu)

Gene: ATRX (ATRX chromatin remodeler; minus strand). Cytogenetic location: Xq21.1.
Variant type: single nucleotide variant.
Coding change: c.2173G>C on transcript NM_000489.6 (MANE Select); coding-DNA position 2173, G replaced by C.
Protein change: p.Val725Leu; replaces valine 725 with leucine.
Molecular consequence: missense variant.
Genome position (GRCh38, 1-based): chrX:77,683,083, C>G on the plus strand (G>C on the coding strand, the complement: ATRX is on the minus strand). VCF-style: chrX-77683083-C-G. GRCh37 (hg19) VCF-style: chrX-76938575-C-G.
Other names: c.2059G>C, p.Val687Leu (NM_138270.5); short protein forms V687L, V725L.
Identifiers: ClinVar variation 1378489 (VCV001378489.8), dbSNP rs2071341824, ClinGen allele CA413713027.